The following is an entry in ClinVar:

ClinVar aggregate classification (germline): Benign/Likely benign. Review status: criteria provided, multiple submitters, no conflicts (2 of 4 stars). 4 submissions from 4 submitters: Benign (2); Likely benign (2). Last evaluated 2026-08-01.

Allele frequency attached by ClinVar (database versions not stated): gnomAD exomes 0.00018 and 0.00044; ExAC 0.00053; 1000 Genomes Project 30x 0.00156; 1000 Genomes Project 0.00160; gnomAD 0.00192 and 0.00208; TOPMed 0.00216; ESP Exome Variant Server 0.00261.
gnomAD v4.1: 572 of 1,614,118 alleles (0.035%); highest among the groups gnomAD compares: African/African-American, 0.68%; 3 homozygotes.

Submissions (4):

CeGaT Center for Human Genetics Tuebingen
Classification: Likely benign. Last evaluated: 2026-08-01. Review status: criteria provided, single submitter. Criteria: CeGaT Center For Human Genetics Tuebingen Variant Classification Criteria Version 2. Collection method: clinical testing. Allele origin: germline. Affected: yes. Observed: 2 variant alleles.
Comment: PRPF8: BP4, BP7, BS1

Labcorp Genetics (formerly Invitae), Labcorp
Classification: Benign. Last evaluated: 2026-01-18. Review status: criteria provided, single submitter. Criteria: Invitae Variant Classification Sherloc (09022015). Collection method: clinical testing. Allele origin: germline.

Blueprint Genetics
Classification: Likely benign. Last evaluated: 2024-07-30. Review status: criteria provided, single submitter. Criteria: ACMG Guidelines, 2015. Collection method: clinical testing. Allele origin: germline.

Eurofins Ntd Llc (ga)
Classification: Benign. Last evaluated: 2015-07-28. Review status: criteria provided, single submitter. Criteria: EGL Classification Definitions 2015. Collection method: clinical testing. Allele origin: germline. Observed: 1 variant allele, 1 heterozygote.

NM_006445.4(PRPF8):c.1666C>T (p.Leu556=)

Gene: PRPF8 (pre-mRNA processing factor 8; minus strand). Cytogenetic location: 17p13.3.
Variant type: single nucleotide variant.
Coding change: c.1666C>T on transcript NM_006445.4 (MANE Select); coding-DNA position 1666, C replaced by T.
Protein change: p.Leu556=; no amino-acid change (leucine 556 retained).
Molecular consequence: synonymous variant.
Genome position (GRCh38, 1-based): chr17:1,678,815, G>A on the plus strand (C>T on the coding strand, the complement: PRPF8 is on the minus strand). VCF-style: chr17-1678815-G-A. GRCh37 (hg19) VCF-style: chr17-1582109-G-A.
Identifiers: ClinVar variation 281806 (VCV000281806.24), dbSNP rs139305061, ClinGen allele CA8272287.